The following is an entry in ClinVar:

ClinVar aggregate classification (germline): Likely benign. Review status: criteria provided, multiple submitters, no conflicts (2 of 4 stars). 3 submissions from 3 submitters: Likely benign (3). Last evaluated 2026-09-03.

Conditions:
RP1L1-related disorder. Also called: RP1L1-related condition.

Allele frequency attached by ClinVar (database versions not stated): TOPMed 0.00002.
gnomAD v4.1: 19 of 1,611,968 alleles (0.0012%); highest among the groups gnomAD compares: Middle Eastern, 0.016%; no homozygotes.

Submissions (3):

PreventionGenetics, part of Exact Sciences
Classification: Likely benign for RP1L1-related condition. Last evaluated: 2026-09-03. Review status: criteria provided, single submitter. Criteria: ACMG Guidelines, 2015. Collection method: clinical testing. Allele origin: germline.
Comment: This variant is classified as likely benign based on ACMG/AMP sequence variant interpretation guidelines (Richards et al. 2015 PMID: 25741868, with internal and published modifications).

Labcorp Genetics (formerly Invitae), Labcorp
Classification: Likely benign. Last evaluated: 2025-09-09. Review status: criteria provided, single submitter. Criteria: Invitae Variant Classification Sherloc (09022015). Collection method: clinical testing. Allele origin: germline.

Blueprint Genetics
Classification: Likely benign. Last evaluated: 2021-02-17. Review status: criteria provided, single submitter. Criteria: ACMG Guidelines, 2015. Collection method: clinical testing. Allele origin: germline.

NM_178857.6(RP1L1):c.618G>T (p.Ser206=)

Gene: RP1L1 (RP1 like 1). Cytogenetic location: 8p23.1.
Variant type: single nucleotide variant.
Coding change: c.618G>T on transcript NM_178857.6 (MANE Select); coding-DNA position 618, G replaced by T.
Protein change: p.Ser206=; no amino-acid change (serine 206 retained).
Molecular consequence: synonymous variant.
Genome position (GRCh38, 1-based): chr8:10,616,579, C>A on the plus strand (G>T on the coding strand, the complement: RP1L1 is on the minus strand). VCF-style: chr8-10616579-C-A. GRCh37 (hg19) VCF-style: chr8-10474089-C-A.
Identifiers: ClinVar variation 749302 (VCV000749302.10), dbSNP rs779020216, ClinGen allele CA4625536.
Genomic context (GRCh38, chr8:10,616,579, plus strand): 5'-TCTGAAGGCCTCATGCCCGGCACACACCAGCACAGAGGGGCTGTGCAGCAGGGCCTGCAG[C>A]GAGTCCACCTGAGGGAGGAGCGGGCGGGGTCAGGAGGCCTGGGCTGCAGAAACCCCTCTA-3'
Protein context (NP_849188.4, residues 196-216): LYTTSGKKVD[Ser206=]LQALLHSPSV